The following is an entry in ClinVar:

NM_006831.3(CLP1):c.321G>A (p.Ala107=)

Gene: CLP1 (cleavage factor polyribonucleotide kinase subunit 1; plus strand). Cytogenetic location: 11q12.1.
Variant type: single nucleotide variant.
Coding change: c.321G>A on transcript NM_006831.3 (MANE Select); coding-DNA position 321, G replaced by A.
Protein change: p.Ala107=; no amino-acid change (alanine 107 retained).
Molecular consequence: synonymous variant.
Genome position (GRCh38, 1-based): chr11:57,659,797, G>A. VCF-style: chr11-57659797-G-A. GRCh37 (hg19) VCF-style: chr11-57427269-G-A.
Other names: c.321G>A (NM_006831.2); c.321G>A, p.Ala107= (NM_001142597.2).
Identifiers: ClinVar variation 2890311 (VCV002890311.23), dbSNP rs184720631, ClinGen allele CA6008503.

ClinVar aggregate classification (germline): Likely benign. Review status: criteria provided, multiple submitters, no conflicts (2 of 4 stars). 3 submissions from 3 submitters: Likely benign (2). 1 of the submissions does not count toward it. Last evaluated 2024-05-01.

Conditions:
CLP1-related disorder. Also called: CLP1-related condition.

Allele frequency attached by ClinVar (database versions not stated): ExAC 0.00003; TOPMed 0.00006; gnomAD 0.00008; 1000 Genomes Project 30x 0.00031; 1000 Genomes Project 0.00040.
gnomAD v4.1: 100 of 1,614,142 alleles (0.0062%); highest among the groups gnomAD compares: Middle Eastern, 0.066%; no homozygotes.

Submissions (3):

CeGaT Center for Human Genetics Tuebingen
Classification: Likely benign. Last evaluated: 2024-05-01. Review status: criteria provided, single submitter. Criteria: CeGaT Center For Human Genetics Tuebingen Variant Classification Criteria Version 2. Collection method: clinical testing. Allele origin: germline. Affected: yes. Observed: 1 variant allele.
Comment: CLP1: BP4, BP7

Labcorp Genetics (formerly Invitae), Labcorp
Classification: Likely benign. Last evaluated: 2023-12-11. Review status: criteria provided, single submitter. Criteria: Invitae Variant Classification Sherloc (09022015). Collection method: clinical testing. Allele origin: germline.

PreventionGenetics, part of Exact Sciences
Classification: Likely benign for CLP1-related condition. Last evaluated: 2019-05-31. Review status: no assertion criteria provided. Collection method: clinical testing. Allele origin: germline. Not counted in ClinVar's aggregate classification.
Comment: This variant is classified as likely benign based on ACMG/AMP sequence variant interpretation guidelines (Richards et al. 2015 PMID: 25741868, with internal and published modifications).